The following is an entry in ClinVar:

NM_006206.6(PDGFRA):c.3197C>G (p.Thr1066Ser)

Gene: PDGFRA (platelet derived growth factor receptor alpha; plus strand). Cytogenetic location: 4q12.
Variant type: single nucleotide variant.
Coding change: c.3197C>G on transcript NM_006206.6 (MANE Select); coding-DNA position 3197, C replaced by G.
Protein change: p.Thr1066Ser; replaces threonine 1066 with serine.
Molecular consequence: missense variant.
Genome position (GRCh38, 1-based): chr4:54,295,199, C>G. VCF-style: chr4-54295199-C-G. GRCh37 (hg19) VCF-style: chr4-55161366-C-G.
Other names: c.3272C>G, p.Thr1091Ser (NM_001347828.2); c.3197C>G, p.Thr1066Ser (NM_001347829.2); c.3236C>G, p.Thr1079Ser (NM_001347830.2); c.3197C>G (NM_006206.4); short protein forms T1079S, T1091S, T1066S.
Identifiers: ClinVar variation 1476543 (VCV001476543.9), dbSNP rs775944809, ClinGen allele CA356896606.

ClinVar aggregate classification (germline): Uncertain significance. Review status: criteria provided, multiple submitters, no conflicts (2 of 4 stars). 2 submissions from 2 submitters: Uncertain significance (2). Last evaluated 2026-02-28.

Conditions:
Hereditary cancer-predisposing syndrome. Also called: Hereditary neoplastic syndrome; Tumor predisposition; Hereditary Cancer Syndrome; Neoplastic Syndromes, Hereditary. Identifiers: Orphanet 140162, MedGen C0027672, MeSH D009386, MONDO:0015356.
Gastrointestinal stromal tumor. Also called: Gastrointestinal stroma tumor; Gastrointestinal stromal tumor, somatic. Identifiers: Orphanet 44890, MedGen C0238198, MeSH D046152, MONDO:0011719, OMIM 606764, HP:0100723.

Submissions (2):

Ambry Genetics
Classification: Uncertain significance for Hereditary cancer-predisposing syndrome. Last evaluated: 2026-02-28. Review status: criteria provided, single submitter. Criteria: Ambry Variant Classification Scheme 2023. Collection method: clinical testing. Allele origin: germline.
Comment: The p.T1066S variant (also known as c.3197C>G), located in coding exon 22 of the PDGFRA gene, results from a C to G substitution at nucleotide position 3197. The threonine at codon 1066 is replaced by serine, an amino acid with similar properties. This amino acid position is conserved. In addition, the in silico prediction for this alteration is inconclusive. Based on the available evidence, the clinical significance of this variant remains unclear.

Labcorp Genetics (formerly Invitae), Labcorp
Classification: Uncertain significance for Gastrointestinal stromal tumor. Last evaluated: 2021-01-13. Review status: criteria provided, single submitter. Criteria: Invitae Variant Classification Sherloc (09022015). Collection method: clinical testing. Allele origin: germline.
Comment: In summary, the available evidence is currently insufficient to determine the role of this variant in disease. Therefore, it has been classified as a Variant of Uncertain Significance. Algorithms developed to predict the effect of missense changes on protein structure and function are either unavailable or do not agree on the potential impact of this missense change (SIFT: "Tolerated"; PolyPhen-2: "Probably Damaging"; Align-GVGD: "Class C0"). This variant has not been reported in the literature in individuals with PDGFRA-related conditions. This variant is not present in population databases (ExAC no frequency). This sequence change replaces threonine with serine at codon 1066 of the PDGFRA protein (p.Thr1066Ser). The threonine residue is highly conserved and there is a small physicochemical difference between threonine and serine.